The following is an entry in ClinVar:

NM_000548.5(TSC2):c.1613C>T (p.Ser538Phe)

Gene: TSC2 (TSC complex subunit 2; plus strand). Cytogenetic location: 16p13.3.
Variant type: single nucleotide variant.
Coding change: c.1613C>T on transcript NM_000548.5 (MANE Select); coding-DNA position 1613, C replaced by T.
Protein change: p.Ser538Phe; replaces serine 538 with phenylalanine.
Molecular consequence: missense variant.
Genome position (GRCh38, 1-based): chr16:2,065,532, C>T. VCF-style: chr16-2065532-C-T. GRCh37 (hg19) VCF-style: chr16-2115533-C-T.
Other names: c.1613C>T, p.Ser538Phe (NM_001077183.3, NM_001114382.3, NM_001363528.2 and 3 more transcripts); c.1502C>T, p.Ser501Phe (NM_001318827.2); c.1466C>T, p.Ser489Phe (NM_001318829.2); c.1013C>T, p.Ser338Phe (NM_001318831.2); c.1646C>T, p.Ser549Phe (NM_001318832.2); short protein forms S538F, S338F, S549F, S489F, S501F.
Identifiers: ClinVar variation 237969 (VCV000237969.16), dbSNP rs201334685, ClinGen allele CA10583296.

ClinVar aggregate classification (germline): Conflicting classifications of pathogenicity. Review status: criteria provided, conflicting classifications (1 of 4 stars). 5 submissions from 5 submitters: Uncertain significance (3); Benign (1); Likely benign (1). Last evaluated 2025-12-20.

Conditions:
Isolated focal cortical dysplasia type II (FCORD2). Also called: Focal cortical dysplasia type II; CORTICAL DYSPLASIA OF TAYLOR. Identifiers: Orphanet 268994, MedGen C1846385, MONDO:0011818, OMIM 607341, HP:0032051.
Tuberous sclerosis 2 (TSC2). Identifiers: Orphanet 805, MedGen C1860707, MONDO:0013199, OMIM 613254.
Lymphangiomyomatosis (LAM). Also called: Lymphangioleiomyomatosis; Lymphangioleiomyomatosis, somatic. Identifiers: Orphanet 538, MedGen C0751674, MONDO:0011705, OMIM 606690.
Tuberous sclerosis syndrome (TSC). Also called: Tuberous Sclerosis Complex; Tuberous sclerosis. Identifiers: Orphanet 805, MedGen C0041341, MONDO:0001734.
Hereditary cancer-predisposing syndrome. Also called: Tumor predisposition; Hereditary Cancer Syndrome; Hereditary neoplastic syndrome; Neoplastic Syndromes, Hereditary. Identifiers: Orphanet 140162, MedGen C0027672, MeSH D009386, MONDO:0015356.

Allele frequency attached by ClinVar (database versions not stated): gnomAD 0.00001; TOPMed 0.00001.

Submissions (5):

GeneDx
Classification: Uncertain significance. Last evaluated: 2025-12-20. Review status: criteria provided, single submitter. Criteria: GeneDx Variant Classification Process June 2021. Collection method: clinical testing. Allele origin: germline. Affected: yes.
Comment: In silico analysis supports that this missense variant has a deleterious effect on protein structure/function; Has not been previously published as pathogenic or benign to our knowledge

Labcorp Genetics (formerly Invitae), Labcorp
Classification: Benign for Tuberous sclerosis 2. Last evaluated: 2025-11-24. Review status: criteria provided, single submitter. Criteria: Invitae Variant Classification Sherloc (09022015). Collection method: clinical testing. Allele origin: germline.

Fulgent Genetics
Classification: Uncertain significance for Lymphangiomyomatosis; Isolated focal cortical dysplasia type II; Tuberous sclerosis 2. Last evaluated: 2024-03-08. Review status: criteria provided, single submitter. Criteria: ACMG Guidelines, 2015. Collection method: clinical testing. Allele origin: germline.

All of Us Research Program, National Institutes of Health
Classification: Uncertain significance for Tuberous sclerosis syndrome. Last evaluated: 2023-08-15. Review status: criteria provided, single submitter. Criteria: ACMG Guidelines, 2015. Collection method: clinical testing. Allele origin: germline. Inheritance: Autosomal dominant inheritance. Observed: 1 variant allele, 1 heterozygote.
Comment: This missense variant replaces serine with phenylalanine at codon 538 of the TSC2 protein. Computational prediction suggests that this variant may not impact protein structure and function (internally defined REVEL score threshold <= 0.5, PMID: 27666373). To our knowledge, functional studies have not been reported for this variant. This variant has not been reported in individuals affected with tuberous sclerosis complex in the literature. This variant has not been identified in the general population by the Genome Aggregation Database (gnomAD). The available evidence is insufficient to determine the role of this variant in disease conclusively. Therefore, this variant is classified as a Variant of Uncertain Significance.

This study involves interpretation of variants in research participants for the purpose of population health screening. Participant phenotype was not available at the time of variant classification. Additional details can be found in publication PMID: 35346344, PMCID: PMC8962531

Ambry Genetics
Classification: Likely benign for Hereditary cancer-predisposing syndrome. Last evaluated: 2023-06-14. Review status: criteria provided, single submitter. Criteria: Ambry Variant Classification Scheme 2023. Collection method: clinical testing. Allele origin: germline.